The following is an entry in ClinVar:

NM_003742.4(ABCB11):c.342G>C (p.Trp114Cys)

Gene: ABCB11 (ATP binding cassette subfamily B member 11; minus strand). Cytogenetic location: 2q31.1.
Variant type: single nucleotide variant.
Coding change: c.342G>C on transcript NM_003742.4 (MANE Select); coding-DNA position 342, G replaced by C.
Protein change: p.Trp114Cys; replaces tryptophan 114 with cysteine.
Molecular consequence: missense variant.
Genome position (GRCh38, 1-based): chr2:169,013,319, C>G on the plus strand (G>C on the coding strand, the complement: ABCB11 is on the minus strand). VCF-style: chr2-169013319-C-G. GRCh37 (hg19) VCF-style: chr2-169869829-C-G.
Other names: short protein forms W114C.
Identifiers: ClinVar variation 4749501 (VCV004749501.1).

ClinVar aggregate classification (germline): Uncertain significance (1 of 4 stars; one submission).

gnomAD v4.1: 10 of 1,613,708 alleles (0.00062%); highest among the groups gnomAD compares: Non-Finnish European, 0.00085%; no homozygotes.

Submission:

Labcorp Genetics (formerly Invitae), Labcorp
Classification: Uncertain significance. Last evaluated: 2025-11-01. Review status: criteria provided, single submitter. Criteria: Invitae Variant Classification Sherloc (09022015). Collection method: clinical testing. Allele origin: germline.
Comment: This sequence change replaces tryptophan, which is neutral and slightly polar, with cysteine, which is neutral and slightly polar, at codon 114 of the ABCB11 protein (p.Trp114Cys). This variant is not present in population databases (gnomAD no frequency). This variant has not been reported in the literature in individuals affected with ABCB11-related conditions. Invitae Evidence Modeling of protein sequence and biophysical properties (such as structural, functional, and spatial information, amino acid conservation, physicochemical variation, residue mobility, and thermodynamic stability) indicates that this missense variant is not expected to disrupt ABCB11 protein function with a negative predictive value of 95%. In summary, the available evidence is currently insufficient to determine the role of this variant in disease. Therefore, it has been classified as a Variant of Uncertain Significance.